The following is an entry in ClinVar:

NM_016335.6(PRODH):c.1652A>C (p.Tyr551Ser)

Gene: PRODH (proline dehydrogenase 1; minus strand). Cytogenetic location: 22q11.21.
Variant type: single nucleotide variant.
Coding change: c.1652A>C on transcript NM_016335.6 (MANE Select); coding-DNA position 1652, A replaced by C.
Protein change: p.Tyr551Ser; replaces tyrosine 551 with serine.
Molecular consequence: missense variant.
Genome position (GRCh38, 1-based): chr22:18,913,326, T>G on the plus strand (A>C on the coding strand, the complement: PRODH is on the minus strand). VCF-style: chr22-18913326-T-G. GRCh37 (hg19) VCF-style: chr22-18900839-T-G.
Other names: c.1328A>C, p.Tyr443Ser (NM_001195226.2); short protein forms Y551S, Y443S.
Identifiers: ClinVar variation 522067 (VCV000522067.12), dbSNP rs142346005, ClinGen allele CA10094854.

ClinVar aggregate classification (germline): Conflicting classifications of pathogenicity. Review status: criteria provided, conflicting classifications (1 of 4 stars). 3 submissions from 3 submitters: Likely pathogenic (1); Uncertain significance (2). Last evaluated 2024-08-05.

Conditions:
Proline dehydrogenase deficiency (HYRPRO1). Also called: PROLINE OXIDASE DEFICIENCY; Hyperprolinemia type 1. Identifiers: Orphanet 419, MedGen C0268529, MONDO:0009400, OMIM 239500.
Schizophrenia 4 (SCZD4). Also called: SCHIZOPHRENIA SUSCEPTIBILITY LOCUS, CHROMOSOME 22q11-RELATED; SCHIZOPHRENIA, SUSCEPTIBILITY TO, 4. Identifiers: MedGen C1833247, MONDO:0010943, OMIM 600850.
Inborn genetic diseases. Identifiers: MedGen C0950123, MeSH D030342.

Allele frequency attached by ClinVar (database versions not stated): gnomAD 0.00003.

Submissions (3):

Labcorp Genetics (formerly Invitae), Labcorp
Classification: Uncertain significance for Proline dehydrogenase deficiency. Last evaluated: 2024-08-05. Review status: criteria provided, single submitter. Criteria: Invitae Variant Classification Sherloc (09022015). Collection method: clinical testing. Allele origin: germline.
Comment: This sequence change replaces tyrosine, which is neutral and polar, with serine, which is neutral and polar, at codon 551 of the PRODH protein (p.Tyr551Ser). This variant is present in population databases (rs142346005, gnomAD 0.005%). This variant has not been reported in the literature in individuals affected with PRODH-related conditions. ClinVar contains an entry for this variant (Variation ID: 522067). Advanced modeling of protein sequence and biophysical properties (such as structural, functional, and spatial information, amino acid conservation, physicochemical variation, residue mobility, and thermodynamic stability) performed at Invitae indicates that this missense variant is expected to disrupt PRODH protein function with a positive predictive value of 80%. In summary, the available evidence is currently insufficient to determine the role of this variant in disease. Therefore, it has been classified as a Variant of Uncertain Significance.

Fulgent Genetics
Classification: Uncertain significance for Proline dehydrogenase deficiency; Schizophrenia 4. Last evaluated: 2024-06-23. Review status: criteria provided, single submitter. Criteria: ACMG Guidelines, 2015. Collection method: clinical testing. Allele origin: germline.

Ambry Genetics
Classification: Likely pathogenic for Inborn genetic diseases. Last evaluated: 2017-09-27. Review status: criteria provided, single submitter. Criteria: Ambry exome assertion method (8-5-2015). Collection method: clinical testing. Allele origin: germline. Affected: yes. Observed: 1 variant allele.